The following is an entry in ClinVar:

ClinVar aggregate classification (germline): Uncertain significance (1 of 4 stars; one submission).

Submission:

ARUP Laboratories, Molecular Genetics and Genomics, ARUP Laboratories
Classification: Uncertain significance. Last evaluated: 2023-02-15. Review status: criteria provided, single submitter. Criteria: ARUP Molecular Germline Variant Investigation Process 2024. Collection method: clinical testing. Allele origin: germline.
Comment: The WDR35 c.1208T>C; p.Met403Thr variant, to our knowledge, is not reported in the medical literature or gene specific databases. This variant is also absent from the Genome Aggregation Database, indicating it is not a common polymorphism. Computational analyses predict that this variant is neutral (REVEL: 0.058). Due to limited information, the clinical significance of this variant is uncertain at this time.

NM_001006657.2(WDR35):c.1208T>C (p.Met403Thr)

Gene: WDR35 (WD repeat domain 35; minus strand). Cytogenetic location: 2p24.1.
Variant type: single nucleotide variant.
Coding change: c.1208T>C on transcript NM_001006657.2 (MANE Plus Clinical); coding-DNA position 1208, T replaced by C.
Protein change: p.Met403Thr; replaces methionine 403 with threonine.
Molecular consequence: missense variant. On other transcripts: intron variant (1).
Genome position (GRCh38, 1-based): chr2:19,962,314, A>G on the plus strand (T>C on the coding strand, the complement: WDR35 is on the minus strand). VCF-style: chr2-19962314-A-G. GRCh37 (hg19) VCF-style: chr2-20162075-A-G.
Other names: c.1195-1700T>C (NM_020779.4); short protein forms M403T.
Identifiers: ClinVar variation 2920871 (VCV002920871.1), dbSNP rs2527924422, ClinGen allele CA345945957.